The following is an entry in ClinVar:

ClinVar aggregate classification (germline): Uncertain significance (1 of 4 stars; one submission).

Conditions:
Wilson disease (WND). Also called: Wilson's disease. Identifiers: Orphanet 905, MedGen C0019202, MONDO:0010200, OMIM 277900. Disease mechanism: loss of function.

gnomAD v4.1: 3 of 1,614,156 alleles (0.00019%); highest among the groups gnomAD compares: African/African-American, 0.0013%; no homozygotes.

Submission:

Color Diagnostics, LLC DBA Color Health
Classification: Uncertain significance for Wilson disease. Last evaluated: 2025-08-17. Review status: criteria provided, single submitter. Criteria: ACMG Guidelines, 2015. Collection method: clinical testing. Allele origin: germline.
Comment: This missense variant replaces alanine with valine at codon 310 of the ATP7B protein. Computational prediction suggests that this variant may not impact protein structure and function. To our knowledge, functional studies have not been reported for this variant. This variant has not been reported in individuals affected with ATP7B-related disorders in the literature. This variant has not been identified in the general population by the Genome Aggregation Database (gnomAD). The available evidence is insufficient to determine the role of this variant in disease conclusively. Therefore, this variant is classified as a Variant of Uncertain Significance.

NM_000053.4(ATP7B):c.929C>T (p.Ala310Val)

Gene: ATP7B (ATPase copper transporting beta; minus strand). Cytogenetic location: 13q14.3.
Variant type: single nucleotide variant.
Coding change: c.929C>T on transcript NM_000053.4 (MANE Select); coding-DNA position 929, C replaced by T.
Protein change: p.Ala310Val; replaces alanine 310 with valine.
Molecular consequence: missense variant. On other transcripts: intron variant (2).
Genome position (GRCh38, 1-based): chr13:51,974,291, G>A on the plus strand (C>T on the coding strand, the complement: ATP7B is on the minus strand). VCF-style: chr13-51974291-G-A. GRCh37 (hg19) VCF-style: chr13-52548427-G-A.
Other names: c.929C>T, p.Ala310Val (NM_001406526.1, NM_001406527.1, NM_001406528.1 and 29 more transcripts); c.833C>T, p.Ala278Val (NM_001406530.1, NM_001406536.1, NM_001406517.1 and 3 more transcripts); c.802+127C>T (NM_001243182.2); c.706+127C>T (NM_001406539.1); short protein forms A278V, A310V.
Identifiers: ClinVar variation 4756309 (VCV004756309.1).